The following is an entry in ClinVar:

ClinVar aggregate classification (germline): Uncertain significance (1 of 4 stars; one submission).

Allele frequency attached by ClinVar (database versions not stated): TOPMed 0.00002; gnomAD exomes below 0.00001.
gnomAD v4.1: 1 of 1,612,722 alleles (0.000062%); highest among the groups gnomAD compares: Admixed American, 0.0017%; no homozygotes.

Submission:

Ambry Genetics
Classification: Uncertain significance. Last evaluated: 2025-12-15. Review status: criteria provided, single submitter. Criteria: Ambry Variant Classification Scheme 2023. Collection method: clinical testing. Allele origin: germline.
Comment: The p.D495V variant (also known as c.1484A>T), located in coding exon 12 of the RECQL gene, results from an A to T substitution at nucleotide position 1484. The aspartic acid at codon 495 is replaced by valine, an amino acid with highly dissimilar properties. This amino acid position is conserved. In addition, this alteration is predicted to be tolerated by in silico analysis. Since supporting evidence is limited at this time, the clinical significance of this alteration remains unclear.

NM_002907.4(RECQL):c.1484A>T (p.Asp495Val)

Gene: RECQL (RecQ like helicase; minus strand). Cytogenetic location: 12p12.1.
Variant type: single nucleotide variant.
Coding change: c.1484A>T on transcript NM_002907.4 (MANE Select); coding-DNA position 1484, A replaced by T.
Protein change: p.Asp495Val; replaces aspartic acid 495 with valine.
Molecular consequence: missense variant.
Genome position (GRCh38, 1-based): chr12:21,471,611, T>A on the plus strand (A>T on the coding strand, the complement: RECQL is on the minus strand). VCF-style: chr12-21471611-T-A. GRCh37 (hg19) VCF-style: chr12-21624545-T-A.
Other names: c.1484A>T, p.Asp495Val (NM_032941.3); short protein forms D495V.
Identifiers: ClinVar variation 1773630 (VCV001773630.3), dbSNP rs1942967288, ClinGen allele CA384116319.
Genomic context (GRCh38, chr12:21,471,611, plus strand): 5'-AGTTTCAATGGAGTGAGTTTTTCATTCAGTTCCTCTGCCTGCTTCAGGATCTTGATTAGA[T>A]CTCTGCAGTACTCTGTTATGTTCTTTCTTTCAAATGCTGTAATAAAACAAATATGGTAGC-3'
Protein context (NP_002898.2, residues 485-505): ERKNITEYCR[Asp495Val]LIKILKQAEE